The following is an entry in ClinVar:

ClinVar aggregate classification (germline): Uncertain significance (1 of 4 stars; one submission).

Conditions:
DSCAM-related disorder. Also called: DSCAM-related condition.

Submission:

PreventionGenetics, part of Exact Sciences
Classification: Uncertain significance for DSCAM-related condition. Last evaluated: 2023-01-18. Review status: criteria provided, single submitter. Criteria: ACMG Guidelines, 2015. Collection method: clinical testing. Allele origin: germline.
Comment: The DSCAM c.1172A>G variant is predicted to result in the amino acid substitution p.Lys391Arg. To our knowledge, this variant has not been reported in the literature or in a large population database, indicating this variant is rare. At this time, the clinical significance of this variant is uncertain due to the absence of conclusive functional and genetic evidence.

NM_001389.5(DSCAM):c.1172A>G (p.Lys391Arg)

Gene: DSCAM (DS cell adhesion molecule; minus strand). Cytogenetic location: 21q22.2.
Variant type: single nucleotide variant.
Coding change: c.1172A>G on transcript NM_001389.5 (MANE Select); coding-DNA position 1172, A replaced by G.
Protein change: p.Lys391Arg; replaces lysine 391 with arginine.
Molecular consequence: missense variant. On other transcripts: non-coding transcript variant (1).
Genome position (GRCh38, 1-based): chr21:40,347,708, T>C on the plus strand (A>G on the coding strand, the complement: DSCAM is on the minus strand). VCF-style: chr21-40347708-T-C. GRCh37 (hg19) VCF-style: chr21-41719635-T-C.
Other names: c.1172A>G, p.Lys391Arg (NM_001271534.3, NM_206887.1); short protein forms K391R.
Identifiers: ClinVar variation 2629972 (VCV002629972.1), dbSNP rs2074574017, ClinGen allele CA410597847.